The following is an entry in ClinVar:

NM_001453.3(FOXC1):c.1124GCG[11] (p.Gly380_Ala381insGlyGlyGlyGlyGly)

Gene: FOXC1 (forkhead box C1; plus strand). Cytogenetic location: 6p25.3.
Variant type: Microsatellite.
Coding change: c.1124GCG[11] on transcript NM_001453.3 (MANE Select); 11 copies in a row of the 3-base unit GCG starting at c.1124; the reference has six copies in a row; five copies, 15 bases duplicated.
Protein change: p.Gly380_Ala381insGlyGlyGlyGlyGly.
Molecular consequence: inframe insertion.
Genome position (GRCh38, 1-based): chr6:1,611,572-1,611,586, GCGGCGGCGGCGGCG duplicated; duplicating any 15 consecutive bases within chr6:1,611,568-1,611,586 gives the same sequence; the position shown is the placement nearest the transcript's 3' end. VCF-style (leftmost placement, unchanged base first): chr6-1611567-G-GGGCGGCGGCGGCGGC. GRCh37 (hg19) VCF-style: chr6-1611802-G-GGGCGGCGGCGGCGGC.
Identifiers: ClinVar variation 4747844 (VCV004747844.1).

ClinVar aggregate classification (germline): Uncertain significance (1 of 4 stars; one submission).

Conditions:
Axenfeld-Rieger syndrome type 3 (RIEG3). Also called: AXENFELD-RIEGER ANOMALY WITH CARDIAC DEFECTS AND/OR SENSORINEURAL HEARING LOSS. Identifiers: Orphanet 782, MedGen C2678503, MONDO:0011233, OMIM 602482.

Submission:

Labcorp Genetics (formerly Invitae), Labcorp
Classification: Uncertain significance for Axenfeld-Rieger syndrome type 3. Last evaluated: 2025-11-24. Review status: criteria provided, single submitter. Criteria: Invitae Variant Classification Sherloc (09022015). Collection method: clinical testing. Allele origin: germline.
Comment: This variant, c.1127_1141dup, results in the insertion of 5 amino acid(s) of the FOXC1 protein (p.Gly376_Gly380dup), but otherwise preserves the integrity of the reading frame. This variant is not present in population databases (gnomAD no frequency). This variant has not been reported in the literature in individuals affected with FOXC1-related conditions. In summary, the available evidence is currently insufficient to determine the role of this variant in disease. Therefore, it has been classified as a Variant of Uncertain Significance.